The following is an entry in ClinVar:

ClinVar aggregate classification (germline): Likely benign (1 of 4 stars; one submission).

Allele frequency attached by ClinVar (database versions not stated): 1000 Genomes Project 30x 0.00172; 1000 Genomes Project 0.00200; TOPMed 0.00495; gnomAD 0.00537; ESP Exome Variant Server 0.00546; ExAC 0.00561; gnomAD exomes 0.00736.
gnomAD v4.1: 11,348 of 1,603,794 alleles (0.71%); highest among the groups gnomAD compares: Non-Finnish European, 0.87%; 66 homozygotes.

Submission:

CeGaT Center for Human Genetics Tuebingen
Classification: Likely benign. Last evaluated: 2025-04-01. Review status: criteria provided, single submitter. Criteria: CeGaT Center For Human Genetics Tuebingen Variant Classification Criteria Version 2. Collection method: clinical testing. Allele origin: germline. Affected: yes. Observed: 2 variant alleles.
Comment: IGFN1: BP4, BS2

NM_001164586.2(IGFN1):c.8853+7C>T

Gene: IGFN1 (immunoglobulin like and fibronectin type III domain containing 1; plus strand). Cytogenetic location: 1q32.1.
Variant type: single nucleotide variant.
Coding change: c.8853+7C>T on transcript NM_001164586.2 (MANE Select); 7 bases into the intron after coding-DNA position 8853, C replaced by T.
Molecular consequence: intron variant.
Genome position (GRCh38, 1-based): chr1:201,214,308, C>T. VCF-style: chr1-201214308-C-T. GRCh37 (hg19) VCF-style: chr1-201183436-C-T.
Other names: c.1482+7C>T (NM_001367841.1).
Identifiers: ClinVar variation 2639769 (VCV002639769.24), dbSNP rs41308361, ClinGen allele CA1323059.